The following is an entry in ClinVar:

ClinVar aggregate classification (germline): Uncertain significance (1 of 4 stars; one submission).

Allele frequency attached by ClinVar (database versions not stated): ExAC 0.00001; gnomAD 0.00001.
gnomAD v4.1: 5 of 1,614,064 alleles (0.00031%); highest among the groups gnomAD compares: African/African-American, 0.0013%; no homozygotes.

Submission:

Labcorp Genetics (formerly Invitae), Labcorp
Classification: Uncertain significance. Last evaluated: 2022-06-14. Review status: criteria provided, single submitter. Criteria: Invitae Variant Classification Sherloc (09022015). Collection method: clinical testing. Allele origin: germline.
Comment: This variant is present in population databases (rs780477509, gnomAD 0.0009%). In summary, the available evidence is currently insufficient to determine the role of this variant in disease. Therefore, it has been classified as a Variant of Uncertain Significance. Advanced modeling of protein sequence and biophysical properties (such as structural, functional, and spatial information, amino acid conservation, physicochemical variation, residue mobility, and thermodynamic stability) performed at Invitae indicates that this missense variant is not expected to disrupt COL4A1 protein function. This variant has not been reported in the literature in individuals affected with COL4A1-related conditions. This sequence change replaces lysine, which is basic and polar, with methionine, which is neutral and non-polar, at codon 979 of the COL4A1 protein (p.Lys979Met).

NM_001845.6(COL4A1):c.2936A>T (p.Lys979Met)

Gene: COL4A1 (collagen type IV alpha 1 chain; minus strand). Cytogenetic location: 13q34.
Variant type: single nucleotide variant.
Coding change: c.2936A>T on transcript NM_001845.6 (MANE Select); coding-DNA position 2936, A replaced by T.
Protein change: p.Lys979Met; replaces lysine 979 with methionine.
Molecular consequence: missense variant.
Genome position (GRCh38, 1-based): chr13:110,176,658, T>A on the plus strand (A>T on the coding strand, the complement: COL4A1 is on the minus strand). VCF-style: chr13-110176658-T-A. GRCh37 (hg19) VCF-style: chr13-110829005-T-A.
Other names: short protein forms K979M.
Identifiers: ClinVar variation 2139941 (VCV002139941.4), dbSNP rs780477509, ClinGen allele CA7047452.